The following is an entry in ClinVar:

ClinVar aggregate classification (germline): Uncertain significance (1 of 4 stars; one submission).

Conditions:
Familial sleep-related hypermotor epilepsy. Also called: Autosomal Dominant Sleep-Related Hypermotor (Hyperkinetic) Epilepsy. Identifiers: Orphanet 98784, MedGen C3696898, MONDO:0000030.

Allele frequency attached by ClinVar (database versions not stated): gnomAD exomes below 0.00001; gnomAD 0.00001; TOPMed 0.00001.
gnomAD v4.1: 5 of 1,559,032 alleles (0.00032%); highest among the groups gnomAD compares: Middle Eastern, 0.034%; no homozygotes.

Submission:

Labcorp Genetics (formerly Invitae), Labcorp
Classification: Uncertain significance. Last evaluated: 2023-09-15. Review status: criteria provided, single submitter. Criteria: Invitae Variant Classification Sherloc (09022015). Collection method: clinical testing. Allele origin: germline.
Comment: This sequence change replaces leucine, which is neutral and non-polar, with phenylalanine, which is neutral and non-polar, at codon 429 of the CHRNA4 protein (p.Leu429Phe). This variant is not present in population databases (gnomAD no frequency). This variant has not been reported in the literature in individuals affected with CHRNA4-related conditions. An algorithm developed to predict the effect of missense changes on protein structure and function (PolyPhen-2) suggests that this variant is likely to be disruptive. In summary, the available evidence is currently insufficient to determine the role of this variant in disease. Therefore, it has been classified as a Variant of Uncertain Significance.

NM_000744.7(CHRNA4):c.1285C>T (p.Leu429Phe)

Gene: CHRNA4 (cholinergic receptor nicotinic alpha 4 subunit; minus strand). Cytogenetic location: 20q13.33.
Variant type: single nucleotide variant.
Coding change: c.1285C>T on transcript NM_000744.7 (MANE Select); coding-DNA position 1285, C replaced by T.
Protein change: p.Leu429Phe; replaces leucine 429 with phenylalanine.
Molecular consequence: missense variant. On other transcripts: non-coding transcript variant (1).
Genome position (GRCh38, 1-based): chr20:63,350,126, G>A on the plus strand (C>T on the coding strand, the complement: CHRNA4 is on the minus strand). VCF-style: chr20-63350126-G-A. GRCh37 (hg19) VCF-style: chr20-61981478-G-A.
Other names: c.757C>T, p.Leu253Phe (NM_001256573.2); short protein forms L253F, L429F.
Identifiers: ClinVar variation 2991379 (VCV002991379.3), dbSNP rs1316263584, ClinGen allele CA409633939.